The following is an entry in ClinVar:

NC_000009.12:g.95482041_95482042insGCTCTCCCTCTCCCTCTCCCTCTCCCTCTCCCTCTCCCTCCCCCTCCCTCTCCCTCTCCCTCTCCCTCTACCTCCACGGTCNNNNNNNNNNAAAAAAAAAAAAAAAAAAAAAAAGATATTCTATTATC

Gene: PTCH1 (patched 1; minus strand). Cytogenetic location: 9q22.32.
Variant type: Insertion.
Genome position: GRCh38: chr9:95,482,041-95,482,042. GRCh37 (hg19): chr9:98,244,323-98,244,324.
Identifiers: ClinVar variation 1069312 (VCV001069312.7), dbSNP rs2118466034.

ClinVar aggregate classification (germline): Pathogenic (1 of 4 stars; one submission).

Conditions:
Gorlin syndrome. Also called: Nevoid Basal Cell Carcinoma Syndrome; Basal cell nevus syndrome. Identifiers: Orphanet 377, MedGen C0004779, MONDO:0007187.

Submission:

Labcorp Genetics (formerly Invitae), Labcorp
Classification: Pathogenic for Gorlin syndrome. Last evaluated: 2020-09-15. Review status: criteria provided, single submitter. Criteria: Invitae Variant Classification Sherloc (09022015). Collection method: clinical testing. Allele origin: germline.
Comment: This sequence change creates a premature translational stop signal (p.Tyr224Phefs*15) in the PTCH1 gene. It is expected to result in an absent or disrupted protein product. For these reasons, this variant has been classified as Pathogenic. Loss-of-function variants in PTCH1 are known to be pathogenic (PMID: 16301862, 16419085). Algorithms developed to predict the effect of sequence changes on RNA splicing suggest that this variant may create or strengthen a splice site, but this prediction has not been confirmed by published transcriptional studies. This variant has not been reported in the literature in individuals with PTCH1-related conditions. This variant is not present in population databases (ExAC no frequency).

Literature cited by the submitters: PubMed 16301862; PubMed 16419085.